The following is an entry in ClinVar:

ClinVar aggregate classification (germline): Pathogenic (1 of 4 stars; one submission).

Conditions:
Autosomal dominant nonsyndromic hearing loss 65. Also called: Deafness, autosomal dominant 65; TBC1D24-Related Autosomal Dominant Nonsyndromic Hearing Loss (DFNA). Identifiers: Orphanet 90635, MedGen C3892048, MONDO:0014470, OMIM 616044.
Developmental and epileptic encephalopathy, 1 (DEE1). Also called: X-linked infantile spasms; West's syndrome; Tonic spasms with clustering, arrest of psychomotor development and hypsarrhythmia on EEG; X-Linked Infantile Spasm Syndrome; OHTAHARA SYNDROME, X-LINKED; INFANTILE SPASM SYNDROME, X-LINKED 1. Identifiers: MedGen C3463992, MONDO:0010632, OMIM 308350. Disease mechanism: loss of function.

Allele frequency attached by ClinVar (database versions not stated): gnomAD exomes 0.00001 and below 0.00001; TOPMed below 0.00001.
gnomAD v4.1: 1 of 1,614,122 alleles (0.000062%); highest among the groups gnomAD compares: Admixed American, 0.0017%; no homozygotes.

Submission:

Labcorp Genetics (formerly Invitae), Labcorp
Classification: Pathogenic for Developmental and epileptic encephalopathy, 1; Autosomal dominant nonsyndromic hearing loss 65. Last evaluated: 2023-11-27. Review status: criteria provided, single submitter. Criteria: Invitae Variant Classification Sherloc (09022015). Collection method: clinical testing. Allele origin: germline.
Comment: This sequence change replaces glycine, which is neutral and non-polar, with serine, which is neutral and polar, at codon 236 of the TBC1D24 protein (p.Gly236Ser). This variant is present in population databases (no rsID available, gnomAD 0.006%). This missense change has been observed in individual(s) with clinical features of autosomal recessive TBC1D24-related conditions (Invitae). In at least one individual the data is consistent with being in trans (on the opposite chromosome) from a pathogenic variant. ClinVar contains an entry for this variant (Variation ID: 1473155). Advanced modeling of protein sequence and biophysical properties (such as structural, functional, and spatial information, amino acid conservation, physicochemical variation, residue mobility, and thermodynamic stability) performed at Invitae indicates that this missense variant is expected to disrupt TBC1D24 protein function with a positive predictive value of 80%. For these reasons, this variant has been classified as Pathogenic.

NM_001199107.2(TBC1D24):c.706G>A (p.Gly236Ser)

Gene: TBC1D24 (TBC1 domain family member 24; plus strand). Cytogenetic location: 16p13.3.
Variant type: single nucleotide variant.
Coding change: c.706G>A on transcript NM_001199107.2 (MANE Select); coding-DNA position 706, G replaced by A.
Protein change: p.Gly236Ser; replaces glycine 236 with serine.
Molecular consequence: missense variant.
Genome position (GRCh38, 1-based): chr16:2,496,854, G>A. VCF-style: chr16-2496854-G-A. GRCh37 (hg19) VCF-style: chr16-2546855-G-A.
Other names: c.706G>A, p.Gly236Ser (NM_020705.3); short protein forms G236S.
Identifiers: ClinVar variation 1473155 (VCV001473155.8), dbSNP rs1183009408, ClinGen allele CA394376977.